The following is an entry in ClinVar:

NM_212482.4(FN1):c.3812C>G (p.Thr1271Ser)

Gene: FN1 (fibronectin 1; minus strand). Cytogenetic location: 2q35.
Variant type: single nucleotide variant.
Coding change: c.3812C>G on transcript NM_212482.4 (MANE Select); coding-DNA position 3812, C replaced by G.
Protein change: p.Thr1271Ser; replaces threonine 1271 with serine.
Molecular consequence: missense variant. On other transcripts: intron variant (10).
Genome position (GRCh38, 1-based): chr2:215,393,188, G>C on the plus strand (C>G on the coding strand, the complement: FN1 is on the minus strand). VCF-style: chr2-215393188-G-C. GRCh37 (hg19) VCF-style: chr2-216257911-G-C.
Other names: c.3812C>G, p.Thr1271Ser (NM_001306129.2, NM_001306130.2, NM_001365517.2 and 3 more transcripts); c.3796+1340C>G (NM_212474.3, NM_001306132.2, NM_001365523.2 and 7 more transcripts); short protein forms T1271S.
Identifiers: ClinVar variation 4282494 (VCV004282494.1).
Genomic context (GRCh38, chr2:215,393,188, plus strand): 5'-TTTAGCGGGGTCCACCTCAGGCCGATGCTTGAATCGGTTATATCAACAAAGCTTAGGTCA[G>C]TGAGTTGGGGCACCTCTATTGAGTTACAAAGCAAAGGGAGGGGGAGGCAAAAGGAAAATA-3'
Protein context (NP_997647.2, residues 1261-1281): DTIIPEVPQL[Thr1271Ser]DLSFVDITDS

ClinVar aggregate classification (germline): Uncertain significance (1 of 4 stars; one submission).

Submission:

GeneDx
Classification: Uncertain significance. Last evaluated: 2025-04-09. Review status: criteria provided, single submitter. Criteria: GeneDx Variant Classification Process June 2021. Collection method: clinical testing. Allele origin: germline. Affected: yes.
Comment: Not observed at significant frequency in large population cohorts (gnomAD); In silico analysis indicates that this missense variant does not alter protein structure/function; Has not been previously published as pathogenic or benign to our knowledge